The following is an entry in ClinVar:

ClinVar aggregate classification (germline): Likely pathogenic (1 of 4 stars; one submission).

Conditions:
Noonan syndrome 10 (NS10). Identifiers: Orphanet 648, MedGen C4225280, MONDO:0014693, OMIM 616564.

Submission:

Victorian Clinical Genetics Services, Murdoch Childrens Research Institute
Classification: Likely pathogenic for Noonan syndrome 10. Last evaluated: 2022-09-02. Review status: criteria provided, single submitter. Criteria: ACMG Guidelines, 2015. Collection method: clinical testing. Allele origin: germline. Inheritance: Autosomal dominant inheritance. Affected: yes.
Comment: Based on the classification scheme VCGS_Germline_v1.3.4, this variant is classified as Likely pathogenic. Following criteria are met: 0104 - Dominant negative is a likely mechanism of disease in this gene and is associated with Noonan syndrome 10 (MIM#616564). Missense variants in this gene enhance stimulus-dependent RAS-MAPK signaling, consistent with lost LZTR1 function as a negative regulator of this pathway (PMID: 30481304). Susceptibility to schwannomatosis-2 (MIM#615670) requires a somatic second hit and is the result of a loss of function mechanism (OMIM). (I) 0107 - This gene is associated with autosomal dominant disease. (I) 0200 - Variant is predicted to result in a missense amino acid change from aspartic acid to glycine. (I) 0251 - This variant is heterozygous. (I) 0301 - Variant is absent from gnomAD (both v2 and v3). (SP) 0502 - Missense variant with conflicting in silico predictions and uninformative conservation. (I) 0600 - Variant is located in the annotated galactose oxidase, central domain (DECIPHER). (I) 0705 - No comparable missense variants have previous evidence for pathogenicity. (I) 0807 - This variant has no previous evidence of pathogenicity. (I) 0905 - No published segregation evidence has been identified for this variant. (I) 1007 - No published functional evidence has been identified for this variant. (SP) Legend: (SP) - Supporting pathogenic, (I) - Information, (SB) - Supporting benign

Literature cited by the submitters: PubMed 30481304.

NM_006767.4(LZTR1):c.416A>G (p.Asp139Gly)

Gene: LZTR1 (leucine zipper like post translational regulator 1; plus strand). Cytogenetic location: 22q11.21.
Variant type: single nucleotide variant.
Coding change: c.416A>G on transcript NM_006767.4 (MANE Select); coding-DNA position 416, A replaced by G.
Protein change: p.Asp139Gly; replaces aspartic acid 139 with glycine.
Molecular consequence: missense variant.
Genome position (GRCh38, 1-based): chr22:20,988,025, A>G. VCF-style: chr22-20988025-A-G. GRCh37 (hg19) VCF-style: chr22-21342314-A-G.
Other names: short protein forms D139G.
Identifiers: ClinVar variation 1805922 (VCV001805922.1), dbSNP rs2518613210, ClinGen allele CA410779656.